The following is an entry in ClinVar:

ClinVar aggregate classification (germline): Pathogenic (1 of 4 stars; one submission).

Submission:

Labcorp Genetics (formerly Invitae), Labcorp
Classification: Pathogenic. Last evaluated: 2024-11-03. Review status: criteria provided, single submitter. Criteria: Invitae Variant Classification Sherloc (09022015). Collection method: clinical testing. Allele origin: germline.
Comment: This sequence change creates a premature translational stop signal (p.Asn282Lysfs*18) in the ALPL gene. It is expected to result in an absent or disrupted protein product. Loss-of-function variants in ALPL are known to be pathogenic (PMID: 3174660, 10679946, 32973344, 33814268). This variant is not present in population databases (gnomAD no frequency). This variant has not been reported in the literature in individuals affected with ALPL-related conditions. For these reasons, this variant has been classified as Pathogenic.

Literature cited by the submitters: PubMed 3174660; PubMed 10679946; PubMed 32973344; PubMed 33814268.

NM_000478.6(ALPL):c.846del (p.Asn282fs)

Gene: ALPL (alkaline phosphatase, biomineralization associated; plus strand). Cytogenetic location: 1p36.12.
Variant type: Deletion.
Coding change: c.846del on transcript NM_000478.6 (MANE Select); coding-DNA position 846, one base deleted (T; older notation c.846delT).
Protein change: p.Asn282fs; shifts the reading frame from asparagine 282.
Molecular consequence: frameshift variant.
Genome position (GRCh38, 1-based): chr1:21,570,358, T deleted. VCF-style (leftmost placement, unchanged base first): chr1-21570357-AT-A. GRCh37 (hg19) VCF-style: chr1-21896850-AT-A.
Other names: c.681del, p.Asn227fs (NM_001127501.4); c.615del, p.Asn205fs (NM_001177520.3); c.846del, p.Asn282fs (NM_001369803.2, NM_001369804.2, NM_001369805.2); short protein forms N227fs, N282fs, N205fs.
Identifiers: ClinVar variation 3723963 (VCV003723963.2).